The following is an entry in ClinVar:

NM_000180.4(GUCY2D):c.566C>T (p.Ala189Val)

Gene: GUCY2D (guanylate cyclase 2D, retinal; plus strand). Cytogenetic location: 17p13.1.
Variant type: single nucleotide variant.
Coding change: c.566C>T on transcript NM_000180.4 (MANE Select); coding-DNA position 566, C replaced by T.
Protein change: p.Ala189Val; replaces alanine 189 with valine.
Molecular consequence: missense variant.
Genome position (GRCh38, 1-based): chr17:8,003,613, C>T. VCF-style: chr17-8003613-C-T. GRCh37 (hg19) VCF-style: chr17-7906931-C-T.
Other names: short protein forms A189V.
Identifiers: ClinVar variation 872116 (VCV000872116.46), dbSNP rs375259185, ClinGen allele CA8365510.
Genomic context (GRCh38, chr17:8,003,613, plus strand): 5'-CGGATGCCCTCTACGCCCTGCTTCGCGCATTCGGCTGGGCGCGCGTGGCCCTGGTCACCG[C>T]CCCCCAGGACCTGTGGGTGGAGGCGGGACGCTCACTGTCCACGGCACTCAGGGCCCGGGG-3'
Protein context (NP_000171.1, residues 179-199): FGWARVALVT[Ala189Val]PQDLWVEAGR

ClinVar aggregate classification (germline): Uncertain significance. Review status: criteria provided, multiple submitters, no conflicts (2 of 4 stars). 3 submissions from 3 submitters: Uncertain significance (3). Last evaluated 2023-08-04.

Conditions:
Cone-rod dystrophy 6 (CORD6). Also called: Cone dystrophy progressive; RETINAL CONE DYSTROPHY 2. Identifiers: Orphanet 1872, MedGen C1866293, MONDO:0011143, OMIM 601777.
Leber congenital amaurosis 1 (LCA1). Also called: AMAUROSIS CONGENITA OF LEBER I; Congenital absence of the rods and cones; Leber's congenital tapetoretinal degeneration; Leber's congenital tapetoretinal dysplasia; RETINAL BLINDNESS, CONGENITAL. Identifiers: Orphanet 65, MedGen C2931258, MONDO:0008764, OMIM 204000.

Allele frequency attached by ClinVar (database versions not stated): gnomAD exomes 0.00001; gnomAD 0.00002 and 0.00003; TOPMed 0.00003; ExAC 0.00004; ESP Exome Variant Server 0.00008.
gnomAD v4.1: 40 of 1,588,762 alleles (0.0025%); highest among the groups gnomAD compares: Non-Finnish European, 0.0033%; no homozygotes.

Submissions (3):

Labcorp Genetics (formerly Invitae), Labcorp
Classification: Uncertain significance for Leber congenital amaurosis 1; Cone-rod dystrophy 6. Last evaluated: 2023-08-04. Review status: criteria provided, single submitter. Criteria: Invitae Variant Classification Sherloc (09022015). Collection method: clinical testing. Allele origin: germline.
Comment: In summary, the available evidence is currently insufficient to determine the role of this variant in disease. Therefore, it has been classified as a Variant of Uncertain Significance. Advanced modeling of protein sequence and biophysical properties (such as structural, functional, and spatial information, amino acid conservation, physicochemical variation, residue mobility, and thermodynamic stability) performed at Invitae indicates that this missense variant is not expected to disrupt GUCY2D protein function. This sequence change replaces alanine, which is neutral and non-polar, with valine, which is neutral and non-polar, at codon 189 of the GUCY2D protein (p.Ala189Val). The frequency data for this variant in the population databases is considered unreliable, as metrics indicate poor data quality at this position in the gnomAD database. This variant has not been reported in the literature in individuals affected with GUCY2D-related conditions. ClinVar contains an entry for this variant (Variation ID: 872116).

CeGaT Center for Human Genetics Tuebingen
Classification: Uncertain significance. Last evaluated: 2020-01-01. Review status: criteria provided, single submitter. Criteria: CeGaT Center For Human Genetics Tuebingen Variant Classification Criteria Version 2. Collection method: clinical testing. Allele origin: germline. Affected: yes. Observed: 1 variant allele.

Blueprint Genetics
Classification: Uncertain significance. Last evaluated: 2019-09-30. Review status: criteria provided, single submitter. Criteria: ACMG Guidelines, 2015. Collection method: clinical testing. Allele origin: germline.